The following is an entry in ClinVar:

ClinVar aggregate classification (germline): Uncertain significance. Review status: criteria provided, multiple submitters, no conflicts (2 of 4 stars). 3 submissions from 3 submitters: Uncertain significance (3). Last evaluated 2024-01-20.

Conditions:
Fanconi anemia (FA). Also called: Fanconi's anemia. Identifiers: Orphanet 84, MedGen C0015625, MeSH D005199, MONDO:0019391.
Fanconi anemia complementation group I (FANCI). Also called: FANCI-Related Fanconi Anemia. Identifiers: Orphanet 84, MedGen C1836861, MONDO:0012186, OMIM 609053.

Allele frequency attached by ClinVar (database versions not stated): ExAC 0.00004; gnomAD exomes 0.00007 and 0.00011; TOPMed 0.00009; gnomAD 0.00010; ESP Exome Variant Server 0.00015.
gnomAD v4.1: 177 of 1,614,170 alleles (0.011%); highest among the groups gnomAD compares: Non-Finnish European, 0.014%; no homozygotes.

Submissions (3):

Fulgent Genetics
Classification: Uncertain significance for Fanconi anemia complementation group I. Last evaluated: 2024-01-20. Review status: criteria provided, single submitter. Criteria: ACMG Guidelines, 2015. Collection method: clinical testing. Allele origin: germline.

Labcorp Genetics (formerly Invitae), Labcorp
Classification: Uncertain significance for Fanconi anemia. Last evaluated: 2022-08-23. Review status: criteria provided, single submitter. Criteria: Invitae Variant Classification Sherloc (09022015). Collection method: clinical testing. Allele origin: germline.
Comment: This sequence change replaces methionine, which is neutral and non-polar, with valine, which is neutral and non-polar, at codon 604 of the FANCI protein (p.Met604Val). This variant is present in population databases (rs141879625, gnomAD 0.01%). This variant has not been reported in the literature in individuals affected with FANCI-related conditions. ClinVar contains an entry for this variant (Variation ID: 456197). Algorithms developed to predict the effect of missense changes on protein structure and function (SIFT, PolyPhen-2, Align-GVGD) all suggest that this variant is likely to be tolerated. In summary, the available evidence is currently insufficient to determine the role of this variant in disease. Therefore, it has been classified as a Variant of Uncertain Significance.

GeneDx
Classification: Uncertain significance. Last evaluated: 2020-12-04. Review status: criteria provided, single submitter. Criteria: GeneDx Variant Classification Process June 2021. Collection method: clinical testing. Allele origin: germline. Affected: yes.
Comment: In silico analysis supports that this missense variant does not alter protein structure/function; Observed in individuals with ovarian cancer (Song 2020); This variant is associated with the following publications: (PMID: 32546565)

NM_001113378.2(FANCI):c.1810A>G (p.Met604Val)

Gene: FANCI (FA complementation group I; plus strand). Cytogenetic location: 15q26.1.
Variant type: single nucleotide variant.
Coding change: c.1810A>G on transcript NM_001113378.2 (MANE Select); coding-DNA position 1810, A replaced by G.
Protein change: p.Met604Val; replaces methionine 604 with valine.
Molecular consequence: missense variant.
Genome position (GRCh38, 1-based): chr15:89,285,207, A>G. VCF-style: chr15-89285207-A-G. GRCh37 (hg19) VCF-style: chr15-89828438-A-G.
Other names: c.1531A>G, p.Met511Val (NM_001376910.1); c.1810A>G, p.Met604Val (NM_001376911.1, NM_018193.3); short protein forms M604V, M511V.
Identifiers: ClinVar variation 456197 (VCV000456197.7), dbSNP rs141879625, ClinGen allele CA7723159.
Genomic context (GRCh38, chr15:89,285,207, plus strand): 5'-TGCCTTGAGATCATGGATAGTTTGAGGAGATGCTTAAGCCAGCAAGCTGATGTTCGACTC[A>G]TGCTTTATGAGGTAAGTCCGTAGAATGGAAAGAATGTAGCAAAACCCCAACTAATAATTT-3'
Protein context (NP_001106849.1, residues 594-614): CLSQQADVRL[Met604Val]LYEGFYDVLR